The following is an entry in ClinVar:

NM_020937.4(FANCM):c.5666G>A (p.Ser1889Asn)

Gene: FANCM (FA complementation group M; plus strand). Cytogenetic location: 14q21.2.
Variant type: single nucleotide variant.
Coding change: c.5666G>A on transcript NM_020937.4 (MANE Select); coding-DNA position 5666, G replaced by A.
Protein change: p.Ser1889Asn; replaces serine 1889 with asparagine.
Molecular consequence: missense variant.
Genome position (GRCh38, 1-based): chr14:45,196,497, G>A. VCF-style: chr14-45196497-G-A. GRCh37 (hg19) VCF-style: chr14-45665700-G-A.
Other names: c.5588G>A, p.Ser1863Asn (NM_001308133.2); short protein forms S1889N, S1863N.
Identifiers: ClinVar variation 4619632 (VCV004619632.1).
Genomic context (GRCh38, chr14:45,196,497, plus strand): 5'-CTGAGATGTTAAATAGTGTCAATAAGAACAAGTTCATTGAGCAGATCCAGCACCTGCAGA[G>A]TATGTTTGAAAGAATATGTGTGATTGTGGAAAAGGACAGAGAAAAAACAGGTTTGTATTT-3'
Protein context (NP_065988.1, residues 1879-1899): KFIEQIQHLQ[Ser1889Asn]MFERICVIVE

ClinVar aggregate classification (germline): Uncertain significance (1 of 4 stars; one submission).

Conditions:
Inborn genetic diseases. Identifiers: MedGen C0950123, MeSH D030342.

gnomAD v4.1: 1 of 1,614,074 alleles (0.000062%); highest among the groups gnomAD compares: East Asian, 0.0022%; no homozygotes.

Submission:

Ambry Genetics
Classification: Uncertain significance for Inborn genetic diseases. Last evaluated: 2025-12-07. Review status: criteria provided, single submitter. Criteria: Ambry Variant Classification Scheme 2023. Collection method: clinical testing. Allele origin: germline.
Comment: The p.S1889N variant (also known as c.5666G>A), located in coding exon 21 of the FANCM gene, results from a G to A substitution at nucleotide position 5666. The serine at codon 1889 is replaced by asparagine, an amino acid with highly similar properties. This amino acid position is conserved. In addition, this alteration is predicted to be tolerated by in silico analysis. Based on the available evidence, the clinical significance of this variant remains unclear.